The following is an entry in ClinVar:

ClinVar aggregate classification (germline): Uncertain significance. Review status: criteria provided, multiple submitters, no conflicts (2 of 4 stars). 2 submissions from 2 submitters: Uncertain significance (2). Last evaluated 2025-08-06.

Allele frequency attached by ClinVar (database versions not stated): ExAC 0.00001; gnomAD 0.00001; gnomAD exomes 0.00001; TOPMed 0.00001; ESP Exome Variant Server 0.00023.
gnomAD v4.1: 22 of 1,614,136 alleles (0.0014%); highest among the groups gnomAD compares: Non-Finnish European, 0.0018%; no homozygotes.

Submissions (2):

Ambry Genetics
Classification: Uncertain significance. Last evaluated: 2025-08-06. Review status: criteria provided, single submitter. Criteria: Ambry Variant Classification Scheme 2023. Collection method: clinical testing. Allele origin: germline.

Labcorp Genetics (formerly Invitae), Labcorp
Classification: Uncertain significance. Last evaluated: 2021-07-26. Review status: criteria provided, single submitter. Criteria: Invitae Variant Classification Sherloc (09022015). Collection method: clinical testing. Allele origin: germline.
Comment: In summary, the available evidence is currently insufficient to determine the role of this variant in disease. Therefore, it has been classified as a Variant of Uncertain Significance. Algorithms developed to predict the effect of missense changes on protein structure and function are either unavailable or do not agree on the potential impact of this missense change (SIFT: "Tolerated"; PolyPhen-2: "Possibly Damaging"; Align-GVGD: "Class C0"). This variant has not been reported in the literature in individuals affected with NXN-related conditions. This variant is present in population databases (rs374705601, ExAC 0.001%). This sequence change replaces glutamine with glutamic acid at codon 349 of the NXN protein (p.Gln349Glu). The glutamine residue is highly conserved and there is a small physicochemical difference between glutamine and glutamic acid.

NM_022463.5(NXN):c.1045C>G (p.Gln349Glu)

Gene: NXN (nucleoredoxin; minus strand). Cytogenetic location: 17p13.3.
Variant type: single nucleotide variant.
Coding change: c.1045C>G on transcript NM_022463.5 (MANE Select); coding-DNA position 1045, C replaced by G.
Protein change: p.Gln349Glu; replaces glutamine 349 with glutamic acid.
Molecular consequence: missense variant.
Genome position (GRCh38, 1-based): chr17:803,762, G>C on the plus strand (C>G on the coding strand, the complement: NXN is on the minus strand). VCF-style: chr17-803762-G-C. GRCh37 (hg19) VCF-style: chr17-707002-G-C.
Other names: c.721C>G, p.Gln241Glu (NM_001205319.1); c.1045C>G (NM_022463.4); short protein forms Q349E, Q241E.
Identifiers: ClinVar variation 1367499 (VCV001367499.9), dbSNP rs374705601, ClinGen allele CA8263955.